The following is an entry in ClinVar:

ClinVar aggregate classification (germline): Uncertain significance. Review status: criteria provided, multiple submitters, no conflicts (2 of 4 stars). 2 submissions from 2 submitters: Uncertain significance (2). Last evaluated 2025-12-15.

Allele frequency attached by ClinVar (database versions not stated): ExAC 0.00001; gnomAD 0.00001; gnomAD exomes 0.00001; TOPMed 0.00002.
gnomAD v4.1: 9 of 1,599,994 alleles (0.00056%); highest among the groups gnomAD compares: Admixed American, 0.0017%; no homozygotes.

Submissions (2):

Labcorp Genetics (formerly Invitae), Labcorp
Classification: Uncertain significance. Last evaluated: 2025-12-15. Review status: criteria provided, single submitter. Criteria: Invitae Variant Classification Sherloc (09022015). Collection method: clinical testing. Allele origin: germline.
Comment: This sequence change replaces glutamic acid, which is acidic and polar, with lysine, which is basic and polar, at codon 2129 of the FBN3 protein (p.Glu2129Lys). This variant is present in population databases (rs770058274, gnomAD 0.003%). This variant has not been reported in the literature in individuals affected with FBN3-related conditions. ClinVar contains an entry for this variant (Variation ID: 2330758). Invitae Evidence Modeling of protein sequence and biophysical properties (such as structural, functional, and spatial information, amino acid conservation, physicochemical variation, residue mobility, and thermodynamic stability) indicates that this missense variant is expected to disrupt FBN3 protein function with a positive predictive value of 80%. In summary, the available evidence is currently insufficient to determine the role of this variant in disease. Therefore, it has been classified as a Variant of Uncertain Significance.

Ambry Genetics
Classification: Uncertain significance. Last evaluated: 2022-12-01. Review status: criteria provided, single submitter. Criteria: Ambry Variant Classification Scheme 2023. Collection method: clinical testing. Allele origin: germline.

NM_032447.5(FBN3):c.6385G>A (p.Glu2129Lys)

Gene: FBN3 (fibrillin 3; minus strand). Cytogenetic location: 19p13.2.
Variant type: single nucleotide variant.
Coding change: c.6385G>A on transcript NM_032447.5 (MANE Select); coding-DNA position 6385, G replaced by A.
Protein change: p.Glu2129Lys; replaces glutamic acid 2129 with lysine.
Molecular consequence: missense variant.
Genome position (GRCh38, 1-based): chr19:8,088,171, C>T on the plus strand (G>A on the coding strand, the complement: FBN3 is on the minus strand). VCF-style: chr19-8088171-C-T. GRCh37 (hg19) VCF-style: chr19-8153055-C-T.
Other names: c.6385G>A, p.Glu2129Lys (NM_001321431.2); short protein forms E2129K.
Identifiers: ClinVar variation 2330758 (VCV002330758.3), dbSNP rs770058274, ClinGen allele CA9151305.